The following is an entry in ClinVar:

NM_139076.3(ABRAXAS1):c.5A>G (p.Glu2Gly)

Genes: ABRAXAS1 (abraxas 1, BRCA1 A complex subunit; minus strand), LOC129992784 (ATAC-STARR-seq lymphoblastoid silent region 15542; plus strand). Cytogenetic location: 4q21.23.
Variant type: single nucleotide variant.
Coding change: c.5A>G on transcript NM_139076.3 (MANE Select); coding-DNA position 5, A replaced by G.
Protein change: p.Glu2Gly; replaces glutamic acid 2 with glycine.
Molecular consequence: missense variant. On other transcripts: 5 prime UTR variant (1).
Genome position (GRCh38, 1-based): chr4:83,485,068, T>C on the plus strand (A>G on the coding strand, the complement: ABRAXAS1 is on the minus strand). VCF-style: chr4-83485068-T-C. GRCh37 (hg19) VCF-style: chr4-84406221-T-C.
Other names: c.-256A>G (NM_001345962.2); short protein forms E2G.
Identifiers: ClinVar variation 3446481 (VCV003446481.1).

ClinVar aggregate classification (germline): Uncertain significance (1 of 4 stars; one submission).

gnomAD v4.1: 1 of 1,587,102 alleles (0.000063%); highest among the groups gnomAD compares: Non-Finnish European, 0.000086%; no homozygotes.

Submission:

Ambry Genetics
Classification: Uncertain significance. Last evaluated: 2024-08-18. Review status: criteria provided, single submitter. Criteria: Ambry Variant Classification Scheme 2023. Collection method: clinical testing. Allele origin: germline.
Comment: The p.E2G variant (also known as c.5A>G), located in coding exon 1 of the FAM175A gene, results from an A to G substitution at nucleotide position 5. The glutamic acid at codon 2 is replaced by glycine, an amino acid with similar properties. This amino acid position is conserved. In addition, the in silico prediction for this alteration is inconclusive. Based on the available evidence, the clinical significance of this variant remains unclear.